The following is an entry in ClinVar:

ClinVar aggregate classification (germline): Pathogenic/Likely pathogenic. Review status: criteria provided, multiple submitters, no conflicts (2 of 4 stars). 3 submissions from 3 submitters: Pathogenic (2); Likely pathogenic (1). Last evaluated 2024-06-28.

Conditions:
Glycogen storage disease, type IV (GSD4). Also called: Glycogen storage disease due to glycogen branching enzyme deficiency; AMYLOPECTINOSIS; ANDERSEN DISEASE; BRANCHER DEFICIENCY; CIRRHOSIS, FAMILIAL, WITH DEPOSITION OF ABNORMAL GLYCOGEN; GBE1 DEFICIENCY. Identifiers: Orphanet 367, MedGen C0017923, MONDO:0009292, OMIM 232500.
Glycogen storage disease IV, classic hepatic. Also called: GSD IV, CLASSIC HEPATIC. Identifiers: MedGen C1856301.

Submissions (3):

Natera, Inc.
Classification: Pathogenic for Glycogen storage disease type IV. Last evaluated: 2024-06-28. Review status: criteria provided, single submitter. Criteria: Natera Variant Classification Schema (03/2026). Collection method: clinical testing. Allele origin: germline.
Comment: The c.144-1G>C variant in GBE1 is a canonical splice acceptor site variant predicted to affect pre-mRNA splicing, which may result in an abnormal transcript and altered protein product. This variant is expected to result in nonsense mediated decay, truncation, or a dysfunctional protein product. This variant is rare in the general population with a frequency below the threshold expected for the associated phenotype(s). Another variant at this same site results in an alteration predicted to cause a similar molecular effect has been observed in individual(s) with the associated phenotype. Given the available evidence, this variant is classified as Pathogenic.

Labcorp Genetics (formerly Invitae), Labcorp
Classification: Pathogenic for Glycogen storage disease, type IV; Glycogen storage disease IV, classic hepatic. Last evaluated: 2024-04-24. Review status: criteria provided, single submitter. Criteria: Invitae Variant Classification Sherloc (09022015). Collection method: clinical testing. Allele origin: germline.
Comment: This sequence change affects an acceptor splice site in intron 1 of the GBE1 gene. It is expected to disrupt RNA splicing. Variants that disrupt the donor or acceptor splice site typically lead to a loss of protein function (PMID: 16199547), and loss-of-function variants in GBE1 are known to be pathogenic (PMID: 15452297, 20058079). This variant is not present in population databases (gnomAD no frequency). Disruption of this splice site has been observed in individual(s) with glycogen storage disease (PMID: 30303820). In at least one individual the data is consistent with being in trans (on the opposite chromosome) from a pathogenic variant. It has also been observed to segregate with disease in related individuals. Algorithms developed to predict the effect of sequence changes on RNA splicing suggest that this variant may disrupt the consensus splice site. For these reasons, this variant has been classified as Pathogenic.

Baylor Genetics
Classification: Likely pathogenic for Glycogen storage disease, type IV. Last evaluated: 2024-01-01. Review status: criteria provided, single submitter. Criteria: ACMG Guidelines, 2015. Collection method: clinical testing. Allele origin: unknown.

Literature cited by the submitters: PubMed 16199547 (cited by Labcorp Genetics (formerly Invitae), Labcorp); PubMed 15452297 (cited by Labcorp Genetics (formerly Invitae), Labcorp); PubMed 20058079 (cited by Labcorp Genetics (formerly Invitae), Labcorp); PubMed 30303820 (cited by Labcorp Genetics (formerly Invitae), Labcorp).

NM_000158.4(GBE1):c.144-1G>C

Gene: GBE1 (1,4-alpha-glucan branching enzyme 1; minus strand). Cytogenetic location: 3p12.2.
Variant type: single nucleotide variant.
Coding change: c.144-1G>C on transcript NM_000158.4 (MANE Select); the canonical splice acceptor site of the intron before coding-DNA position 144, G replaced by C.
Molecular consequence: splice acceptor variant.
Genome position (GRCh38, 1-based): chr3:81,705,614, C>G on the plus strand (G>C on the coding strand, the complement: GBE1 is on the minus strand). VCF-style: chr3-81705614-C-G. GRCh37 (hg19) VCF-style: chr3-81754765-C-G.
Other names: c.144-1G>C (NM_000158.3).
Identifiers: ClinVar variation 2927147 (VCV002927147.5), dbSNP rs1705762883, ClinGen allele CA353687981.
Genomic context (GRCh38, chr3:81,705,614, plus strand): 5'-TTATCAATACCACCTTCATTTTCTCCAATGTTCTTCAAAATTTGGCTAAACTGCTTATAC[C>G]TTTGAAGAAGTATGAAAGAAAATGAGTTAGAAAATTAAATAGTCTTCTAGAAAAGCTACT-3'